The following is an entry in ClinVar:

ClinVar aggregate classification (germline): Uncertain significance. Review status: criteria provided, multiple submitters, no conflicts (2 of 4 stars). 3 submissions from 3 submitters: Uncertain significance (3). Last evaluated 2025-01-16.

Conditions:
Fanconi anemia complementation group P. Also called: SLX4-Related Fanconi Anemia. Identifiers: Orphanet 84, MedGen C3469542, MONDO:0013499, OMIM 613951.
Fanconi anemia (FA). Also called: Fanconi's anemia. Identifiers: Orphanet 84, MedGen C0015625, MeSH D005199, MONDO:0019391.

Allele frequency attached by ClinVar (database versions not stated): gnomAD 0.00006 and 0.00007; TOPMed 0.00006; ESP Exome Variant Server 0.00008; 1000 Genomes Project 30x 0.00016; 1000 Genomes Project 0.00020.

Submissions (3):

Labcorp Genetics (formerly Invitae), Labcorp
Classification: Uncertain significance for Fanconi anemia. Last evaluated: 2025-01-16. Review status: criteria provided, single submitter. Criteria: Invitae Variant Classification Sherloc (09022015). Collection method: clinical testing. Allele origin: germline.
Comment: This sequence change replaces arginine, which is basic and polar, with glutamine, which is neutral and polar, at codon 481 of the SLX4 protein (p.Arg481Gln). This variant is present in population databases (rs145194745, gnomAD 0.08%). This variant has not been reported in the literature in individuals affected with SLX4-related conditions. ClinVar contains an entry for this variant (Variation ID: 856913). An algorithm developed to predict the effect of missense changes on protein structure and function outputs the following: PolyPhen-2: "Probably Damaging". The glutamine amino acid residue is found in multiple mammalian species, which suggests that this missense change does not adversely affect protein function. In summary, the available evidence is currently insufficient to determine the role of this variant in disease. Therefore, it has been classified as a Variant of Uncertain Significance.

Fulgent Genetics
Classification: Uncertain significance for Fanconi anemia complementation group P. Last evaluated: 2022-05-05. Review status: criteria provided, single submitter. Criteria: ACMG Guidelines, 2015. Collection method: clinical testing. Allele origin: unknown.

Sema4
Classification: Uncertain significance for Fanconi anemia. Last evaluated: 2021-04-14. Review status: criteria provided, single submitter. Criteria: Sema4 Curation Guidelines. Collection method: curation. Allele origin: germline.
Comment: The SLX4 c.1442G>A (p.R481Q) variant has not been reported in the literature to our knowledge. It was observed in 13/18392 chromosomes of the East Asian subpopulation, with no homozygotes, in the large and broad cohorts of the Genome Aggregation Database. The variant has been reported in ClinVar (Variation ID 856913). In silico tools suggest the impact of the variant on protein function is benign, though these predictions have not been confirmed by functional studies. The evidence is insufficient to meet ACMG/AMP criteria for classifying the variant as benign or pathogenic. Thus, the clinical significance of this variant is currently uncertain.

NM_032444.4(SLX4):c.1442G>A (p.Arg481Gln)

Gene: SLX4 (SLX4 structure-specific endonuclease subunit; minus strand). Cytogenetic location: 16p13.3.
Variant type: single nucleotide variant.
Coding change: c.1442G>A on transcript NM_032444.4 (MANE Select); coding-DNA position 1442, G replaced by A.
Protein change: p.Arg481Gln; replaces arginine 481 with glutamine.
Molecular consequence: missense variant.
Genome position (GRCh38, 1-based): chr16:3,597,620, C>T on the plus strand (G>A on the coding strand, the complement: SLX4 is on the minus strand). VCF-style: chr16-3597620-C-T. GRCh37 (hg19) VCF-style: chr16-3647621-C-T.
Other names: short protein forms R481Q.
Identifiers: ClinVar variation 856913 (VCV000856913.9), dbSNP rs145194745, ClinGen allele CA7866514.
Genomic context (GRCh38, chr16:3,597,620, plus strand): 5'-GGCGTGCTAGACAATTCCACTTCCTCAGAGAGGAGCAGGGCCACACGGTCCTCTATCTGT[C>T]GGCCTGTGGTTTCAGAGTCCTGGACTAACAACAATGGGGGGGATACCGGGGGTTTCTTCT-3'
Protein context (NP_115820.2, residues 471-491): LLVQDSETTG[Arg481Gln]QIEDRVALLL